The following is an entry in ClinVar:

NM_020778.5(ALPK3):c.4262G>A (p.Arg1421Gln)

Gene: ALPK3 (alpha kinase 3; plus strand). Cytogenetic location: 15q25.3.
Variant type: single nucleotide variant.
Coding change: c.4262G>A on transcript NM_020778.5 (MANE Select); coding-DNA position 4262, G replaced by A.
Protein change: p.Arg1421Gln; replaces arginine 1421 with glutamine.
Molecular consequence: missense variant.
Genome position (GRCh38, 1-based): chr15:84,862,767, G>A. VCF-style: chr15-84862767-G-A. GRCh37 (hg19) VCF-style: chr15-85405998-G-A.
Other names: short protein forms R1421Q.
Identifiers: ClinVar variation 1743675 (VCV001743675.5), dbSNP rs770717324, ClinGen allele CA7709910.
Genomic context (GRCh38, chr15:84,862,767, plus strand): 5'-AGCTCTTTGGGCGACTGGTAAGCGAGGAGCTCCGAGGGGGTGGATATGGGTGTGGCCTTC[G>A]GAAGGCCTCCCAGGCCAAGGTCATCTACGGGCTGGAACCCATCTTCGAGTCGGGCCGCAC-3'
Protein context (NP_065829.4, residues 1411-1431): LRGGGYGCGL[Arg1421Gln]KASQAKVIYG

ClinVar aggregate classification (germline): Uncertain significance. Review status: criteria provided, multiple submitters, no conflicts (2 of 4 stars). 2 submissions from 2 submitters: Uncertain significance (2). Last evaluated 2024-01-24.

Conditions:
Cardiovascular phenotype. Identifiers: MedGen CN230736.

Allele frequency attached by ClinVar (database versions not stated): ExAC 0.00001.
gnomAD v4.1: 6 of 1,614,084 alleles (0.00037%); highest among the groups gnomAD compares: Non-Finnish European, 0.00051%; no homozygotes.

Submissions (2):

Labcorp Genetics (formerly Invitae), Labcorp
Classification: Uncertain significance. Last evaluated: 2024-01-24. Review status: criteria provided, single submitter. Criteria: Invitae Variant Classification Sherloc (09022015). Collection method: clinical testing. Allele origin: germline.
Comment: This sequence change replaces arginine, which is basic and polar, with glutamine, which is neutral and polar, at codon 1623 of the ALPK3 protein (p.Arg1623Gln). This variant is present in population databases (rs770717324, gnomAD 0.01%). This variant has not been reported in the literature in individuals affected with ALPK3-related conditions. ClinVar contains an entry for this variant (Variation ID: 1743675). Algorithms developed to predict the effect of missense changes on protein structure and function output the following: SIFT: "Not Available"; PolyPhen-2: "Benign"; Align-GVGD: "Not Available". The glutamine amino acid residue is found in multiple mammalian species, which suggests that this missense change does not adversely affect protein function. In summary, the available evidence is currently insufficient to determine the role of this variant in disease. Therefore, it has been classified as a Variant of Uncertain Significance.

Ambry Genetics
Classification: Uncertain significance for Cardiovascular phenotype. Last evaluated: 2019-09-23. Review status: criteria provided, single submitter. Criteria: Ambry Variant Classification Scheme 2023. Collection method: clinical testing. Allele origin: germline.
Comment: The p.R1623Q variant (also known as c.4868G>A), located in coding exon 10 of the ALPK3 gene, results from a G to A substitution at nucleotide position 4868. The arginine at codon 1623 is replaced by glutamine, an amino acid with highly similar properties. This amino acid position is not well conserved in available vertebrate species. In addition, this alteration is predicted to be tolerated by in silico analysis. Since supporting evidence is limited at this time, the clinical significance of this alteration remains unclear.